The following is an entry in ClinVar:

ClinVar aggregate classification (germline): Benign. Review status: criteria provided, multiple submitters, no conflicts (2 of 4 stars). 3 submissions from 3 submitters: Benign (2). 1 of the submissions does not count toward it. Last evaluated 2026-01-27.

Conditions:
SPEG-related disorder. Also called: SPEG-related condition.

Allele frequency attached by ClinVar (database versions not stated): gnomAD exomes 0.00234; ExAC 0.00292; 1000 Genomes Project 30x 0.00796; 1000 Genomes Project 0.00799; gnomAD 0.00819; ESP Exome Variant Server 0.00957; TOPMed 0.00982.
gnomAD v4.1: 2,911 of 1,614,120 alleles (0.18%); highest among the groups gnomAD compares: African/African-American, 3.1%; 40 homozygotes.

Submissions (6):

Labcorp Genetics (formerly Invitae), Labcorp
Classification: Benign. Last evaluated: 2026-01-27. Review status: criteria provided, single submitter. Criteria: Invitae Variant Classification Sherloc (09022015). Collection method: clinical testing. Allele origin: germline.

Mayo Clinic Laboratories, Mayo Clinic
Classification: Benign. Last evaluated: 2019-09-27. Review status: criteria provided, single submitter. Criteria: ACMG Guidelines, 2015. Collection method: clinical testing. Allele origin: germline. Observed: 3 variant alleles.

PreventionGenetics, part of Exact Sciences
Classification: Benign for SPEG-related condition. Last evaluated: 2019-05-29. Review status: no assertion criteria provided. Collection method: clinical testing. Allele origin: germline. Not counted in ClinVar's aggregate classification.
Comment: This variant is classified as benign based on ACMG/AMP sequence variant interpretation guidelines (Richards et al. 2015 PMID: 25741868, with internal and published modifications).

Dr. Peter K. Rogan Lab, Western University
No classification provided (evidence only). Condition: Clear cell carcinoma of kidney. Review status: no classification provided. Collection method: in vitro. Allele origin: not applicable. Functional consequence: retained intron. Not counted in ClinVar's aggregate classification.

Dr. Peter K. Rogan Lab, Western University
No classification provided (evidence only). Condition: Cervical cancer. Review status: no classification provided. Collection method: in vitro. Allele origin: not applicable. Functional consequence: retained intron. Not counted in ClinVar's aggregate classification.

Dr. Peter K. Rogan Lab, Western University
No classification provided (evidence only). Condition: Sarcoma. Review status: no classification provided. Collection method: in vitro. Allele origin: not applicable. Functional consequence: retained intron. Not counted in ClinVar's aggregate classification.

NM_005876.5(SPEG):c.5196G>A (p.Ala1732=)

Gene: SPEG (striated muscle enriched protein kinase; plus strand). Cytogenetic location: 2q35.
Variant type: single nucleotide variant.
Coding change: c.5196G>A on transcript NM_005876.5 (MANE Select); coding-DNA position 5196, G replaced by A.
Protein change: p.Ala1732=; no amino-acid change (alanine 1732 retained).
Molecular consequence: synonymous variant.
Genome position (GRCh38, 1-based): chr2:219,479,994, G>A. VCF-style: chr2-219479994-G-A. GRCh37 (hg19) VCF-style: chr2-220344716-G-A.
Other names: p.Ala1732=.
Identifiers: ClinVar variation 712976 (VCV000712976.14), dbSNP rs61743627, ClinGen allele CA2126768.